The following is an entry in ClinVar:

GRCh38/hg38 5p15.33-15.2(chr5:22149-10044087)x1

Genes: LPCAT1 (lysophosphatidylcholine acyltransferase 1), LRRC14B (leucine rich repeat containing 14B; plus strand), LSINCT5 (long stress-induced non-coding transcript 5; plus strand), MED10 (mediator complex subunit 10; minus strand), MIR4277 (microRNA 4277; minus strand) and 316 more. Cytogenetic location: 5p15.33-15.2.
Variant type: copy number loss.
Change: copy number 1 (one copy instead of two) of chr5:22,149-10,044,087 (10.02 Mb, GRCh38 coordinates, 1-based), cytogenetic band 5p15.33-15.2.
Identifiers: ClinVar variation 59573 (VCV000059573.1).

ClinVar aggregate classification (germline): Pathogenic (1 of 4 stars; one submission).

Submission:

ISCA site 14
Classification: Pathogenic. Last evaluated: 2011-08-12. Review status: criteria provided, single submitter. Criteria: Kaminsky et al. (Genet Med. 2011). Collection method: clinical testing. Allele origin: unknown. Affected: yes. Observed: 1 variant allele.
Comment: Copy number variation identified through the course of routine clinical cytogenomic testing in postnatal populations. Clinical assertions have been curated as described in Kaminsky et al. 2011.